The following is an entry in ClinVar:

NM_004453.4(ETFDH):c.1368_1371del (p.Ser457fs)

Gene: ETFDH (electron transfer flavoprotein dehydrogenase; plus strand). Cytogenetic location: 4q32.1.
Variant type: Deletion.
Coding change: c.1368_1371del on transcript NM_004453.4 (MANE Select); coding-DNA positions 1368 to 1371, 4 bases deleted (GTCC; older notation c.1368_1371delGTCC).
Protein change: p.Ser457fs; shifts the reading frame from serine 457.
Molecular consequence: frameshift variant.
Genome position (GRCh38, 1-based): chr4:158,706,271-158,706,274, GTCC deleted; deleting any 4 consecutive bases within chr4:158,706,269-158,706,274 gives the same sequence; the c. name uses the placement nearest the transcript's 3' end. VCF-style (leftmost placement, unchanged base first): chr4-158706268-ACCGT-A. GRCh37 (hg19) VCF-style: chr4-159627420-ACCGT-A.
Other names: c.1227_1230del, p.Ser410fs (NM_001281737.2); c.1185_1188del, p.Ser396fs (NM_001281738.1); c.1368_1371del (NM_004453.3); short protein forms S396fs, S410fs, S457fs.
Identifiers: ClinVar variation 3241431 (VCV003241431.3), dbSNP rs2476732226.
Genomic context (GRCh38, chr4:158,706,268, plus strand): 5'-TGAGGACAATTTGAAGAACTCATGGGTATGGAAAGAGCTATATTCTGTTAGAAATATAAG[ACCGT>A]CCTGCCACGGAGTACTGGGTGTATATGGAGGGATGATTTACACTGGAATCTTTTACTGGA-3'

ClinVar aggregate classification (germline): Pathogenic/Likely pathogenic. Review status: criteria provided, multiple submitters, no conflicts (2 of 4 stars). 3 submissions from 3 submitters: Pathogenic (1); Likely pathogenic (2). Last evaluated 2025-08-27.

Conditions:
Multiple acyl-CoA dehydrogenase deficiency (MADD). Also called: Glutaric acidemia type II; GA 2; Glutaric aciduria, type 2; ETHYLMALONIC-ADIPICACIDURIA; GA II; Glutaric Acidemia type 2. Identifiers: Orphanet 26791, MedGen C0268596, MONDO:0009282, OMIM 231680.
Glutaric acidemia type 2C.

Submissions (3):

Labcorp Genetics (formerly Invitae), Labcorp
Classification: Pathogenic for Multiple acyl-CoA dehydrogenase deficiency. Last evaluated: 2025-08-27. Review status: criteria provided, single submitter. Criteria: Invitae Variant Classification Sherloc (09022015). Collection method: clinical testing. Allele origin: germline.
Comment: This sequence change creates a premature translational stop signal (p.Ser457Alafs*11) in the ETFDH gene. It is expected to result in an absent or disrupted protein product. Loss-of-function variants in ETFDH are known to be pathogenic (PMID: 16510302, 23785301). This variant is not present in population databases (gnomAD no frequency). This variant has not been reported in the literature in individuals affected with ETFDH-related conditions. ClinVar contains an entry for this variant (Variation ID: 3241431). Algorithms developed to predict the effect of sequence changes on RNA splicing suggest that this variant may disrupt the consensus splice site. For these reasons, this variant has been classified as Pathogenic.

Natera, Inc.
Classification: Likely pathogenic for Glutaric acidemia type 2C. Last evaluated: 2025-06-20. Review status: criteria provided, single submitter. Criteria: Natera Variant Classification Schema (03/2026). Collection method: clinical testing. Allele origin: germline.
Comment: The c.1368_1371del variant in ETFDH is a frameshift variant predicted to shift the reading frame beginning at codon 457 and leads to a stop codon 11 codons downstream. This variant is expected to result in nonsense mediated decay, truncation, or a dysfunctional protein product. This variant is rare in the general population with a frequency below the threshold expected for the associated phenotype(s). Given the available evidence, this variant is classified as Likely Pathogenic.

Baylor Genetics
Classification: Likely pathogenic for Multiple acyl-CoA dehydrogenase deficiency. Last evaluated: 2024-01-06. Review status: criteria provided, single submitter. Criteria: ACMG Guidelines, 2015. Collection method: clinical testing. Allele origin: unknown.

Literature cited by the submitters: PubMed 16510302 (cited by Labcorp Genetics (formerly Invitae), Labcorp); PubMed 23785301 (cited by Labcorp Genetics (formerly Invitae), Labcorp).